The following is an entry in ClinVar:

NM_139057.4(ADAMTS17):c.1185G>T (p.Leu395Phe)

Gene: ADAMTS17 (ADAM metallopeptidase with thrombospondin type 1 motif 17; minus strand). Cytogenetic location: 15q26.3.
Variant type: single nucleotide variant.
Coding change: c.1185G>T on transcript NM_139057.4 (MANE Select); coding-DNA position 1185, G replaced by T.
Protein change: p.Leu395Phe; replaces leucine 395 with phenylalanine.
Molecular consequence: missense variant.
Genome position (GRCh38, 1-based): chr15:100,155,317, C>A on the plus strand (G>T on the coding strand, the complement: ADAMTS17 is on the minus strand). VCF-style: chr15-100155317-C-A. GRCh37 (hg19) VCF-style: chr15-100695522-C-A.
Other names: short protein forms L395F.
Identifiers: ClinVar variation 3645465 (VCV003645465.2).

ClinVar aggregate classification (germline): Uncertain significance (1 of 4 stars; one submission).

Submission:

Labcorp Genetics (formerly Invitae), Labcorp
Classification: Uncertain significance. Last evaluated: 2024-03-12. Review status: criteria provided, single submitter. Criteria: Invitae Variant Classification Sherloc (09022015). Collection method: clinical testing. Allele origin: germline.
Comment: This sequence change replaces leucine, which is neutral and non-polar, with phenylalanine, which is neutral and non-polar, at codon 395 of the ADAMTS17 protein (p.Leu395Phe). This variant is not present in population databases (gnomAD no frequency). This variant has not been reported in the literature in individuals affected with ADAMTS17-related conditions. An algorithm developed to predict the effect of missense changes on protein structure and function (PolyPhen-2) suggests that this variant is likely to be disruptive. In summary, the available evidence is currently insufficient to determine the role of this variant in disease. Therefore, it has been classified as a Variant of Uncertain Significance.